The following is an entry in ClinVar:

NM_002941.4(ROBO1):c.3034C>G (p.Pro1012Ala)

Gene: ROBO1 (roundabout guidance receptor 1; minus strand). Cytogenetic location: 3p12.3.
Variant type: single nucleotide variant.
Coding change: c.3034C>G on transcript NM_002941.4 (MANE Select); coding-DNA position 3034, C replaced by G.
Protein change: p.Pro1012Ala; replaces proline 1012 with alanine.
Molecular consequence: missense variant.
Genome position (GRCh38, 1-based): chr3:78,639,747, G>C on the plus strand (C>G on the coding strand, the complement: ROBO1 is on the minus strand). VCF-style: chr3-78639747-G-C. GRCh37 (hg19) VCF-style: chr3-78688897-G-C.
Other names: c.2899C>G, p.Pro967Ala (NM_001145845.2, NM_133631.4); short protein forms P967A, P1012A.
Identifiers: ClinVar variation 4983166 (VCV004983166.1).

ClinVar aggregate classification (germline): Uncertain significance (1 of 4 stars; one submission).

Conditions:
ROBO1-related disorder. Also called: ROBO1-related condition.

Submission:

PreventionGenetics, part of Exact Sciences
Classification: Uncertain significance for ROBO1-related condition. Last evaluated: 2026-01-30. Review status: criteria provided, single submitter. Criteria: ACMG Guidelines, 2015. Collection method: clinical testing. Allele origin: germline.
Comment: The ROBO1 c.3034C>G variant is predicted to result in the amino acid substitution p.Pro1012Ala. To our knowledge, this variant has not been reported in the literature or in a large population database, indicating this variant is rare. At this time, the clinical significance of this variant is uncertain due to the absence of conclusive functional and genetic evidence.